The following is an entry in ClinVar:

NM_006208.3(ENPP1):c.1006del (p.Ile336fs)

Gene: ENPP1 (ectonucleotide pyrophosphatase/phosphodiesterase 1; plus strand). Cytogenetic location: 6q23.2.
Variant type: Deletion.
Coding change: c.1006del on transcript NM_006208.3 (MANE Select); coding-DNA position 1006, one base deleted (A; older notation c.1006delA).
Protein change: p.Ile336fs; shifts the reading frame from isoleucine 336.
Molecular consequence: frameshift variant.
Genome position (GRCh38, 1-based): chr6:131,861,685, A deleted. VCF-style (leftmost placement, unchanged base first): chr6-131861684-CA-C. GRCh37 (hg19) VCF-style: chr6-132182824-CA-C.
Other names: short protein forms I336fs.
Identifiers: ClinVar variation 3667818 (VCV003667818.2), dbSNP rs1419081031.
Genomic context (GRCh38, chr6:131,861,684, plus strand): 5'-CAAGTCTGGCACATTTTTCTGGCCAGGATCAGATGTGGAAATTAACGGAATTTTCCCAGA[CA>C]TCTATAAAATGTATAATGGGTATGTGAAATGAATTTTTTCTAGGATCTGTAATATAGAAC-3'

ClinVar aggregate classification (germline): Pathogenic (1 of 4 stars; one submission).

Allele frequency attached by ClinVar (database versions not stated): gnomAD exomes 0.00001.

Submission:

Labcorp Genetics (formerly Invitae), Labcorp
Classification: Pathogenic. Last evaluated: 2024-04-03. Review status: criteria provided, single submitter. Criteria: Invitae Variant Classification Sherloc (09022015). Collection method: clinical testing. Allele origin: germline.
Comment: This sequence change creates a premature translational stop signal (p.Ile336Serfs*16) in the ENPP1 gene. It is expected to result in an absent or disrupted protein product. Loss-of-function variants in ENPP1 are known to be pathogenic (PMID: 12881724, 15605415, 16369898, 20016754, 20137773, 22539483). This variant is present in population databases (no rsID available, gnomAD 0.006%). This variant has not been reported in the literature in individuals affected with ENPP1-related conditions. For these reasons, this variant has been classified as Pathogenic.

Literature cited by the submitters: PubMed 12881724; PubMed 15605415; PubMed 16369898; PubMed 20016754; PubMed 20137773; PubMed 22539483.